The following is an entry in ClinVar:

ClinVar aggregate classification (germline): Pathogenic/Likely pathogenic. Review status: criteria provided, multiple submitters, no conflicts (2 of 4 stars). 3 submissions from 3 submitters: Pathogenic (1); Likely pathogenic (2). Last evaluated 2025-08-26.

Conditions:
Joubert syndrome. Also called: Familial aplasia of the vermis; CEREBELLOPARENCHYMAL DISORDER IV; JOUBERT-BOLTSHAUSER SYNDROME. Identifiers: Orphanet 475, MedGen C5979921, MONDO:0018772.
Meckel-Gruber syndrome. Also called: Dysencephalia splachnocystica; DYSENCEPHALIA SPLANCHNOCYSTICA; GRUBER SYNDROME. Identifiers: Orphanet 564, MedGen C0265215, MONDO:0018921.
Nephronophthisis. Also called: Juvenile Nephronophthisis. Identifiers: Orphanet 655, MedGen C0687120, MONDO:0019005, HP:0000090.
Bardet-Biedl syndrome 14 (BBS14). Identifiers: Orphanet 110, MedGen C2673874, MONDO:0014442, OMIM 615991.
Leber congenital amaurosis (LCA). Also called: Leber's amaurosis. Identifiers: Orphanet 65, MedGen C0339527, MeSH D057130, MONDO:0018998.

Allele frequency attached by ClinVar (database versions not stated): gnomAD 0.00001.
gnomAD v4.1: 1 of 1,599,992 alleles (0.000063%); highest among the groups gnomAD compares: South Asian, 0.0011%; no homozygotes.

Submissions (3):

Natera, Inc.
Classification: Likely pathogenic for Leber congenital amaurosis. Last evaluated: 2025-08-26. Review status: criteria provided, single submitter. Criteria: Natera Variant Classification Schema (03/2026). Collection method: clinical testing. Allele origin: germline.
Comment: The c.3925C>T variant in CEP290 is a nonsense variant predicted to introduce a stop codon at amino acid 1309. This variant is expected to result in nonsense mediated decay, truncation, or a dysfunctional protein product. This variant is rare in the general population with a frequency below the threshold expected for the associated phenotype(s). Given the available evidence, this variant is classified as Likely Pathogenic.

Baylor Genetics
Classification: Likely pathogenic for Bardet-Biedl syndrome 14. Last evaluated: 2023-12-10. Review status: criteria provided, single submitter. Criteria: ACMG Guidelines, 2015. Collection method: clinical testing. Allele origin: unknown.

Labcorp Genetics (formerly Invitae), Labcorp
Classification: Pathogenic for Joubert syndrome; Meckel-Gruber syndrome; Nephronophthisis. Last evaluated: 2023-10-30. Review status: criteria provided, single submitter. Criteria: Invitae Variant Classification Sherloc (09022015). Collection method: clinical testing. Allele origin: germline.
Comment: This sequence change creates a premature translational stop signal (p.Gln1309*) in the CEP290 gene. It is expected to result in an absent or disrupted protein product. Loss-of-function variants in CEP290 are known to be pathogenic (PMID: 16909394, 17345604, 20690115). This variant is not present in population databases (gnomAD no frequency). This variant has not been reported in the literature in individuals affected with CEP290-related conditions. ClinVar contains an entry for this variant (Variation ID: 1070250). For these reasons, this variant has been classified as Pathogenic.

Literature cited by the submitters: PubMed 16909394 (cited by Labcorp Genetics (formerly Invitae), Labcorp); PubMed 17345604 (cited by Labcorp Genetics (formerly Invitae), Labcorp); PubMed 20690115 (cited by Labcorp Genetics (formerly Invitae), Labcorp).

NM_025114.4(CEP290):c.3925C>T (p.Gln1309Ter)

Gene: CEP290 (centrosomal protein 290; minus strand). Cytogenetic location: 12q21.32.
Variant type: single nucleotide variant.
Coding change: c.3925C>T on transcript NM_025114.4 (MANE Select); coding-DNA position 3925, C replaced by T.
Protein change: p.Gln1309Ter; replaces glutamine 1309 with a stop codon.
Molecular consequence: nonsense.
Genome position (GRCh38, 1-based): chr12:88,089,136, G>A on the plus strand (C>T on the coding strand, the complement: CEP290 is on the minus strand). VCF-style: chr12-88089136-G-A. GRCh37 (hg19) VCF-style: chr12-88482913-G-A.
Other names: c.3925C>T (NM_025114.3); short protein forms Q1309*.
Identifiers: ClinVar variation 1070250 (VCV001070250.10), dbSNP rs2036816455, ClinGen allele CA386000397.